The following continues an entry in ClinVar:

NM_001034853.2(RPGR):c.2405_2406del (p.Glu802fs)

Gene: RPGR. ClinVar aggregate classification (germline): Pathogenic. Pathogenic (1).

Submissions 12 to 25 of 25:

Ophthalmic Genetics Group, Institute of Molecular and Clinical Ophthalmology Basel
Classification: Pathogenic for Retinitis pigmentosa. Last evaluated: 2023-07-24. Review status: criteria provided, single submitter. Criteria: ACMG Guidelines, 2015. Collection method: research. Allele origin: germline. Affected: yes. Observed: 2 variant alleles. Not counted in ClinVar's aggregate classification.
Comment: Clinical significance based on ACMG v2.0

This variant was classified as Pathogenic based on ACMG criteria: PP5, PVS1, PM2.

Clinical Genetics Laboratory, Skane University Hospital Lund
Classification: Pathogenic. Last evaluated: 2023-07-14. Review status: criteria provided, single submitter. Criteria: ACMG Guidelines, 2015. Collection method: clinical testing. Allele origin: germline. Affected: yes. Not counted in ClinVar's aggregate classification.

Institute of Human Genetics, Univ. Regensburg, Univ. Regensburg
Classification: Pathogenic for Retinal dystrophy. Last evaluated: 2023-01-01. Review status: criteria provided, single submitter. Criteria: ACMG Guidelines, 2015. Collection method: clinical testing. Allele origin: germline. Affected: yes. Not counted in ClinVar's aggregate classification.

Ophthalmic Genetics and Bioinformatics Laboratory, Shanghai Puxi and Light Genomics Technology Co., Ltd.
Classification: Pathogenic for High myopia, early-onset. Last evaluated: 2023-01-01. Review status: criteria provided, single submitter. Criteria: Standards And Guidelines For The Interpretation Of Sequence Variants. Collection method: clinical testing. Allele origin: paternal. Affected: yes. Not counted in ClinVar's aggregate classification.

MGZ Medical Genetics Center
Classification: Pathogenic for X-linked cone-rod dystrophy 1. Last evaluated: 2022-08-02. Review status: criteria provided, single submitter. Criteria: ACMG Guidelines, 2015. Collection method: clinical testing. Allele origin: germline. Affected: yes. Observed: 1 variant allele. Not counted in ClinVar's aggregate classification.
Comment: ACMG criteria applied: PS4_VSTR, PP1_STR, PVS1_MOD, PM2_SUP

GeneDx
Classification: Pathogenic. Last evaluated: 2022-04-13. Review status: criteria provided, single submitter. Criteria: GeneDx Variant Classification Process June 2021. Collection method: clinical testing. Allele origin: germline. Affected: yes. Not counted in ClinVar's aggregate classification.
Comment: Also known as g.ORF15+652_653delAG using alternate nomenclature; Frameshift variant predicted to result in protein truncation, as the last 351 amino acids are replaced with 31 different amino acids, and other loss-of-function variants have been reported downstream in the Human Gene Mutation Database (HGMD); Not observed in large population cohorts (gnomAD); This variant is associated with the following publications: (PMID: 25494902, 24938718, 24043777, 29190250, 30567410, 20021257, 27032803, 10932196, 22264887, 28322733, 18552978, 29785639, 31953110, 33355362, 31054281, 32000842, 32702353, 31047384, 30543658, 33090715, 33576794, 33946315, 24077912)

Laboratory of Medical Genetics, National & Kapodistrian University of Athens
Classification: Pathogenic for X-linked cone-rod dystrophy 1. Last evaluated: 2022-02-09. Review status: criteria provided, single submitter. Criteria: ACMG Guidelines, 2015. Collection method: clinical testing. Allele origin: germline. Affected: yes. Not counted in ClinVar's aggregate classification.
Comment: PVS1, PM2, PP5

Fulgent Genetics
Classification: Pathogenic for Retinitis pigmentosa 3; Retinitis pigmentosa, X-linked, and sinorespiratory infections, with or without deafness; Macular degeneration, X-linked atrophic; X-linked cone-rod dystrophy 1. Last evaluated: 2021-09-22. Review status: criteria provided, single submitter. Criteria: ACMG Guidelines, 2015. Collection method: clinical testing. Allele origin: unknown. Not counted in ClinVar's aggregate classification.

Broad Center for Mendelian Genomics, Broad Institute of MIT and Harvard
Classification: Likely pathogenic for Retinitis pigmentosa. Last evaluated: 2021-04-01. Review status: criteria provided, single submitter. Criteria: ACMG Guidelines, 2015. Collection method: curation. Allele origin: germline. Inheritance: X-linked inheritance. Affected: yes. Not counted in ClinVar's aggregate classification.
Comment: Through a review of available evidence we were able to apply the following criteria: PVS1, PM2. Based on this evidence we have classified this variant as Likely Pathogenic. If you have any questions about the classification please reach out to the Pierce Lab.

Ambry Genetics
Classification: Likely pathogenic for Inborn genetic diseases. Last evaluated: 2017-10-12. Review status: criteria provided, single submitter. Criteria: Ambry exome assertion method (8-5-2015). Collection method: clinical testing. Allele origin: germline. Affected: yes. Observed: 1 variant allele. Not counted in ClinVar's aggregate classification.

Molecular Diagnostics Laboratory, M Health Fairview: University of Minnesota
Classification: Pathogenic for Retinitis pigmentosa 3. Last evaluated: 2017-10-11. Review status: criteria provided, single submitter. Criteria: ACMG Guidelines, 2015. Collection method: clinical testing. Allele origin: germline. Affected: yes. Observed: 1 variant allele. Not counted in ClinVar's aggregate classification.

Ningxia Clinical Research Institute, People's Hospital of Ningxia Hui Autonomous Region
Classification: Pathogenic for Myopia 25, autosomal dominant. Review status: criteria provided, single submitter. Criteria: ACMG Guidelines, 2015. Collection method: clinical testing. Allele origin: inherited. Inheritance: Autosomal dominant inheritance with paternal imprinting. Affected: yes. Observed: 1 heterozygote. Not counted in ClinVar's aggregate classification.
Comment: ACMG guidelines: 1. 2. The variant has been reported in the literature (PS1_Strong). 3. Cross-species conservation analysis shows that amino-acid position 802 is highly conserved, indicating that the variant is likely to impair RPGR structure and function (PP3_Supporting). 4. Multiple bioinformatics tools predict the variant to be damaging (PP3_Supporting). According to the ACMG guidelines, the RPGR heterozygous frameshift variant c.2405_2406del (p.Glu802GlyfsTer32) was classified as Pathogenic.

Sharon lab, Hadassah-Hebrew University Medical Center
Classification: Pathogenic for Retinitis pigmentosa. Last evaluated: 2019-06-23. Review status: no assertion criteria provided. Collection method: research. Allele origin: inherited. Affected: yes. Not counted in ClinVar's aggregate classification.

OMIM
Classification: Pathogenic for RETINITIS PIGMENTOSA 3. Last evaluated: 2000-08-01. Review status: no assertion criteria provided. Collection method: literature only. Allele origin: germline. Not counted in ClinVar's aggregate classification.

Literature cited by the submitters: PubMed 10932196 (cited by 4 submitters); PubMed 18552978 (cited by Labcorp Genetics (formerly Invitae), Labcorp); PubMed 20021257 (cited by Labcorp Genetics (formerly Invitae), Labcorp and Institute of Human Genetics, Univ. Regensburg, Univ. Regensburg); PubMed 22264887 (cited by Labcorp Genetics (formerly Invitae), Labcorp and Institute of Human Genetics, Univ. Regensburg, Univ. Regensburg); PubMed 25544989 (cited by Labcorp Genetics (formerly Invitae), Labcorp and Dasa); PubMed 33372982 (cited by 3billion); PubMed 34745198 (cited by Dasa and Institute of Human Genetics, Univ. Regensburg, Univ. Regensburg); PubMed 29453956 (cited by Dasa); PubMed 21857984 (cited by Dasa); PubMed 36909829 (cited by Ophthalmic Genetics Group, Institute of Molecular and Clinical Ophthalmology Basel); PubMed 27032803 (cited by Institute of Human Genetics, Univ. Regensburg, Univ. Regensburg); PubMed 28863407 (cited by Institute of Human Genetics, Univ. Regensburg, Univ. Regensburg); PubMed 29785639 (cited by Institute of Human Genetics, Univ. Regensburg, Univ. Regensburg); PubMed 31054281 (cited by Institute of Human Genetics, Univ. Regensburg, Univ. Regensburg); PubMed 31213501 (cited by Institute of Human Genetics, Univ. Regensburg, Univ. Regensburg); PubMed 32000842 (cited by Institute of Human Genetics, Univ. Regensburg, Univ. Regensburg); PubMed 31953110 (cited by Institute of Human Genetics, Univ. Regensburg, Univ. Regensburg); PubMed 33090715 (cited by Institute of Human Genetics, Univ. Regensburg, Univ. Regensburg); PubMed 33355362 (cited by Institute of Human Genetics, Univ. Regensburg, Univ. Regensburg); PubMed 33576794 (cited by Institute of Human Genetics, Univ. Regensburg, Univ. Regensburg); PubMed 33946315 (cited by Institute of Human Genetics, Univ. Regensburg, Univ. Regensburg); PubMed 36464167 (cited by Institute of Human Genetics, Univ. Regensburg, Univ. Regensburg); PubMed 36460718 (cited by Institute of Human Genetics, Univ. Regensburg, Univ. Regensburg); PubMed 36276946 (cited by Institute of Human Genetics, Univ. Regensburg, Univ. Regensburg); PubMed 35432464 (cited by Institute of Human Genetics, Univ. Regensburg, Univ. Regensburg); PubMed 36819107 (cited by Institute of Human Genetics, Univ. Regensburg, Univ. Regensburg); PubMed 34906470 (cited by Broad Center for Mendelian Genomics, Broad Institute of MIT and Harvard); PubMed 30718709 (cited by Broad Center for Mendelian Genomics, Broad Institute of MIT and Harvard); PubMed 32094925 (cited by Ningxia Clinical Research Institute, People's Hospital of Ningxia Hui Autonomous Region).